The following is an entry in ClinVar:

ClinVar aggregate classification (germline): Uncertain significance (1 of 4 stars; one submission).

Conditions:
Hereditary cancer-predisposing syndrome. Also called: Neoplastic Syndromes, Hereditary; Tumor predisposition; Hereditary neoplastic syndrome; Hereditary Cancer Syndrome. Identifiers: Orphanet 140162, MedGen C0027672, MeSH D009386, MONDO:0015356.

Submission:

Ambry Genetics
Classification: Uncertain significance for Hereditary cancer-predisposing syndrome. Last evaluated: 2026-07-02. Review status: criteria provided, single submitter. Criteria: Ambry Variant Classification Scheme 2023. Collection method: clinical testing. Allele origin: germline.
Comment: The p.C887Y variant (also known as c.2660G>A), located in coding exon 23 of the TSC2 gene, results from a G to A substitution at nucleotide position 2660. The cysteine at codon 887 is replaced by tyrosine, an amino acid with highly dissimilar properties. This amino acid position is conserved. In addition, this alteration is predicted to be deleterious by in silico analysis. Based on the available evidence, the clinical significance of this variant remains unclear.

NM_000548.5(TSC2):c.2660G>A (p.Cys887Tyr)

Gene: TSC2 (TSC complex subunit 2; plus strand). Cytogenetic location: 16p13.3.
Variant type: single nucleotide variant.
Coding change: c.2660G>A on transcript NM_000548.5 (MANE Select); coding-DNA position 2660, G replaced by A.
Protein change: p.Cys887Tyr; replaces cysteine 887 with tyrosine.
Molecular consequence: missense variant. On other transcripts: non-coding transcript variant (5).
Genome position (GRCh38, 1-based): chr16:2,076,088, G>A. VCF-style: chr16-2076088-G-A. GRCh37 (hg19) VCF-style: chr16-2126089-G-A.
Other names: c.2660G>A, p.Cys887Tyr (NM_001077183.3, NM_001114382.3, NM_001363528.2 and 6 more transcripts); c.2549G>A, p.Cys850Tyr (NM_001318827.2, NM_001406670.1, NM_001406678.1); c.2513G>A, p.Cys838Tyr (NM_001318829.2, NM_001406675.1, NM_001406676.1 and 1 more transcripts); c.2060G>A, p.Cys687Tyr (NM_001318831.2, NM_001406687.1, NM_001406688.1 and 6 more transcripts); c.2693G>A, p.Cys898Tyr (NM_001318832.2); c.2750G>A, p.Cys917Tyr (NM_001406667.1, NM_001406668.1); c.2648G>A, p.Cys883Tyr (NM_001406671.1, NM_001406673.1); c.1316G>A, p.Cys439Tyr (NM_001406689.1, NM_001406690.1, NM_001406691.1 and 6 more transcripts); and 3 more; short protein forms C838Y, C687Y, C733Y, C850Y, C353Y, C439Y, C887Y, C917Y.
Identifiers: ClinVar variation 5031316 (VCV005031316.1).
Genomic context (GRCh38, chr16:2,076,088, plus strand): 5'-CTGCTGCCAGGATGGAGTGCCAGCCCCCTTCTCATCTCAGGTTTAATCAGTACATCGTGT[G>A]TCTGGCCCATCACGTCATAGCCATGTGGTTCATCAGGTGCCGCCTGCCCTTCCGGAAGGA-3'
Protein context (NP_000539.2, residues 877-897): NPSKFNQYIV[Cys887Tyr]LAHHVIAMWF